The following is an entry in ClinVar:

NM_005045.4(RELN):c.1001G>A (p.Arg334His)

Gene: RELN (reelin; minus strand). Cytogenetic location: 7q22.1.
Variant type: single nucleotide variant.
Coding change: c.1001G>A on transcript NM_005045.4 (MANE Select); coding-DNA position 1001, G replaced by A.
Protein change: p.Arg334His; replaces arginine 334 with histidine.
Molecular consequence: missense variant.
Genome position (GRCh38, 1-based): chr7:103,697,995, C>T on the plus strand (G>A on the coding strand, the complement: RELN is on the minus strand). VCF-style: chr7-103697995-C-T. GRCh37 (hg19) VCF-style: chr7-103338442-C-T.
Other names: c.1001G>A, p.Arg334His (NM_173054.3); short protein forms R334H.
Identifiers: ClinVar variation 287147 (VCV000287147.54), dbSNP rs146922726, ClinGen allele CA4422383.

ClinVar aggregate classification (germline): Conflicting classifications of pathogenicity. Review status: criteria provided, conflicting classifications (1 of 4 stars). 11 submissions from 11 submitters: Uncertain significance (5); Likely benign (5). 1 of the submissions does not count toward it. Last evaluated 2026-01-15.

Conditions:
RELN-related disorder. Also called: RELN-related condition.
Familial temporal lobe epilepsy 7. Identifiers: Orphanet 101046, MedGen C4225327, MONDO:0014639, OMIM 616436.
Norman-Roberts syndrome (LIS2). Also called: Lissencephaly 2 (Norman-Roberts type). Identifiers: Orphanet 89844, MedGen C0796089, MONDO:0009760, OMIM 257320.
Epilepsy, familial temporal lobe, 1. Identifiers: Orphanet 101046, MedGen CN030884, MONDO:0700090, OMIM 600512.
Inborn genetic diseases. Identifiers: MedGen C0950123, MeSH D030342.

Allele frequency attached by ClinVar (database versions not stated): 1000 Genomes Project 0.00040; 1000 Genomes Project 30x 0.00062; gnomAD 0.00082 and 0.00091; ESP Exome Variant Server 0.00085; TOPMed 0.00100.
gnomAD v4.1: 364 of 1,613,774 alleles (0.023%); highest among the groups gnomAD compares: African/African-American, 0.23%; 1 homozygote.

Submissions (11):

Labcorp Genetics (formerly Invitae), Labcorp
Classification: Likely benign for Familial temporal lobe epilepsy 7; Norman-Roberts syndrome. Last evaluated: 2026-01-15. Review status: criteria provided, single submitter. Criteria: Invitae Variant Classification Sherloc (09022015). Collection method: clinical testing. Allele origin: germline.

Blueprint Genetics
Classification: Likely benign. Last evaluated: 2024-10-16. Review status: criteria provided, single submitter. Criteria: ACMG Guidelines, 2015. Collection method: clinical testing. Allele origin: germline.

CeGaT Center for Human Genetics Tuebingen
Classification: Likely benign. Last evaluated: 2023-02-01. Review status: criteria provided, single submitter. Criteria: CeGaT Center For Human Genetics Tuebingen Variant Classification Criteria Version 2. Collection method: clinical testing. Allele origin: germline. Affected: yes. Observed: 1 variant allele.
Comment: RELN: BP4, BS1

Department of Pathology and Laboratory Medicine, Sinai Health System
Classification: Uncertain significance for Norman-Roberts syndrome; Epilepsy, familial temporal lobe, 1; Familial temporal lobe epilepsy 7. Last evaluated: 2022-02-28. Review status: criteria provided, single submitter. Criteria: ACMG Guidelines, 2015. Collection method: research. Allele origin: germline.

Ambry Genetics
Classification: Likely benign for Inborn genetic diseases. Last evaluated: 2021-10-22. Review status: criteria provided, single submitter. Criteria: Ambry Variant Classification Scheme 2023. Collection method: clinical testing. Allele origin: germline.

Genetic Services Laboratory, University of Chicago
Classification: Uncertain significance. Last evaluated: 2021-08-22. Review status: criteria provided, single submitter. Criteria: ACMG Guidelines, 2015. Collection method: clinical testing. Allele origin: germline. Affected: no.

GeneDx
Classification: Likely benign. Last evaluated: 2020-06-26. Review status: criteria provided, single submitter. Criteria: GeneDx Variant Classification Process June 2021. Collection method: clinical testing. Allele origin: germline. Affected: yes.

Fulgent Genetics
Classification: Uncertain significance for Norman-Roberts syndrome; Epilepsy, familial temporal lobe, 1; Familial temporal lobe epilepsy 7. Last evaluated: 2018-10-31. Review status: criteria provided, single submitter. Criteria: ACMG Guidelines, 2015. Collection method: clinical testing. Allele origin: unknown.

Illumina Laboratory Services, Illumina
Classification: Uncertain significance for Norman-Roberts syndrome. Last evaluated: 2018-01-13. Review status: criteria provided, single submitter. Criteria: ICSL Variant Classification Criteria 13 December 2019. Collection method: clinical testing. Allele origin: germline.

Eurofins Ntd Llc (ga)
Classification: Uncertain significance. Last evaluated: 2016-05-12. Review status: criteria provided, single submitter. Criteria: EGL Classification Definitions 2015. Collection method: clinical testing. Allele origin: germline. Observed: 1 variant allele, 1 heterozygote.

PreventionGenetics, part of Exact Sciences
Classification: Likely benign for RELN-related condition. Last evaluated: 2022-05-19. Review status: no assertion criteria provided. Collection method: clinical testing. Allele origin: germline. Not counted in ClinVar's aggregate classification.
Comment: This variant is classified as likely benign based on ACMG/AMP sequence variant interpretation guidelines (Richards et al. 2015 PMID: 25741868, with internal and published modifications).